The following is an entry in ClinVar:

ClinVar aggregate classification (germline): Likely pathogenic (1 of 4 stars; one submission).

Submission:

Labcorp Genetics (formerly Invitae), Labcorp
Classification: Likely pathogenic. Last evaluated: 2025-04-01. Review status: criteria provided, single submitter. Criteria: Invitae Variant Classification Sherloc (09022015). Collection method: clinical testing. Allele origin: germline.
Comment: This sequence change replaces glycine, which is neutral and non-polar, with valine, which is neutral and non-polar, at codon 912 of the COL4A4 protein (p.Gly912Val). This variant is not present in population databases (gnomAD no frequency). This variant has not been reported in the literature in individuals affected with COL4A4-related conditions. Invitae Evidence Modeling of protein sequence and biophysical properties (such as structural, functional, and spatial information, amino acid conservation, physicochemical variation, residue mobility, and thermodynamic stability) indicates that this missense variant is expected to disrupt COL4A4 protein function with a positive predictive value of 95%. Algorithms developed to predict the effect of sequence changes on RNA splicing suggest that this variant may create or strengthen a splice site. This variant disrupts the p.Gly912 amino acid residue in COL4A4. Other variant(s) that disrupt this residue have been determined to be pathogenic (internal data). This suggests that this residue is clinically significant, and that variants that disrupt this residue are likely to be disease-causing. In summary, the currently available evidence indicates that the variant is pathogenic, but additional data are needed to prove that conclusively. Therefore, this variant has been classified as Likely Pathogenic.

NM_000092.5(COL4A4):c.2735G>T (p.Gly912Val)

Gene: COL4A4 (collagen type IV alpha 4 chain; minus strand). Cytogenetic location: 2q36.3.
Variant type: single nucleotide variant.
Coding change: c.2735G>T on transcript NM_000092.5 (MANE Select); coding-DNA position 2735, G replaced by T.
Protein change: p.Gly912Val; replaces glycine 912 with valine.
Molecular consequence: missense variant.
Genome position (GRCh38, 1-based): chr2:227,054,719, C>A on the plus strand (G>T on the coding strand, the complement: COL4A4 is on the minus strand). VCF-style: chr2-227054719-C-A. GRCh37 (hg19) VCF-style: chr2-227919435-C-A.
Other names: short protein forms G912V.
Identifiers: ClinVar variation 4800353 (VCV004800353.1).